The following is an entry in ClinVar:

NM_001174147.2(LMX1B):c.990C>T (p.Ser330=)

Gene: LMX1B (LIM homeobox transcription factor 1 beta; plus strand). Cytogenetic location: 9q33.3.
Variant type: single nucleotide variant.
Coding change: c.990C>T on transcript NM_001174147.2 (MANE Select); coding-DNA position 990, C replaced by T.
Protein change: p.Ser330=; no amino-acid change (serine 330 retained).
Molecular consequence: synonymous variant.
Genome position (GRCh38, 1-based): chr9:126,695,942, C>T. VCF-style: chr9-126695942-C-T. GRCh37 (hg19) VCF-style: chr9-129458221-C-T.
Other names: c.1023C>T, p.Ser341= (NM_001174146.2); c.990C>T, p.Ser330= (NM_002316.4).
Identifiers: ClinVar variation 3048791 (VCV003048791.2), dbSNP rs771173837, ClinGen allele CA5242500.
Genomic context (GRCh38, chr9:126,695,942, plus strand): 5'-GCCGCTGGCCCCACCACAGCAGCAGATCGTGGCCATGGAACAGAGCCCCTACGGCAGCAG[C>T]GACCCCTTCCAGCAGGGCCTCACGCCGCCCCAAATGCCAGGTGACCACATGAACCCCTAT-3'
Protein context (NP_001167618.1, residues 320-340): VAMEQSPYGS[Ser330=]DPFQQGLTPP

ClinVar aggregate classification (germline): Likely benign (0 of 4 stars; one submission).

Conditions:
LMX1B-related disorder. Also called: LMX1B-related condition.

Allele frequency attached by ClinVar (database versions not stated): gnomAD 0.00001; TOPMed 0.00001; gnomAD exomes 0.00002; ExAC 0.00004.
gnomAD v4.1: 25 of 1,613,110 alleles (0.0015%); highest among the groups gnomAD compares: Admixed American, 0.005%; no homozygotes.

Submission:

PreventionGenetics, part of Exact Sciences
Classification: Likely benign for LMX1B-related condition. Last evaluated: 2019-12-30. Review status: no assertion criteria provided. Collection method: clinical testing. Allele origin: germline.
Comment: This variant is classified as likely benign based on ACMG/AMP sequence variant interpretation guidelines (Richards et al. 2015 PMID: 25741868, with internal and published modifications).